The following is an entry in ClinVar:

NM_001999.4(FBN2):c.5339C>G (p.Pro1780Arg)

Gene: FBN2 (fibrillin 2; minus strand). Cytogenetic location: 5q23.3.
Variant type: single nucleotide variant.
Coding change: c.5339C>G on transcript NM_001999.4 (MANE Select); coding-DNA position 5339, C replaced by G.
Protein change: p.Pro1780Arg; replaces proline 1780 with arginine.
Molecular consequence: missense variant.
Genome position (GRCh38, 1-based): chr5:128,309,261, G>C on the plus strand (C>G on the coding strand, the complement: FBN2 is on the minus strand). VCF-style: chr5-128309261-G-C. GRCh37 (hg19) VCF-style: chr5-127644953-G-C.
Other names: short protein forms P1780R.
Identifiers: ClinVar variation 2910194 (VCV002910194.4), dbSNP rs1225074929, ClinGen allele CA360743478.
Genomic context (GRCh38, chr5:128,309,261, plus strand): 5'-GTATCACTGATGTGGCAGTCAGCAGATGCACGAGCCGTGTGCTTACCTGTTCCTGGAGTT[G>C]GGCATGGTTCACAAGGTTTGTTCCAGGCTTTGCCCACATTATATGTGCAGCAGCACATCC-3'
Protein context (NP_001990.2, residues 1770-1790): KAWNKPCEPC[Pro1780Arg]TPGTADFKTI

ClinVar aggregate classification (germline): Uncertain significance. Review status: criteria provided, multiple submitters, no conflicts (2 of 4 stars). 2 submissions from 2 submitters: Uncertain significance (2). Last evaluated 2025-11-22.

Conditions:
Familial thoracic aortic aneurysm and aortic dissection (TAAD). Also called: Thoracic aortic aneurysms and dissections. Identifiers: Orphanet 91387, MedGen C4707243, MONDO:0019625.
Congenital contractural arachnodactyly (CCA). Also called: BEALS SYNDROME; Beals-Hecht syndrome; Arthrogryposis, distal, type 9. Identifiers: Orphanet 115, MedGen C0220668, MONDO:0007363, OMIM 121050.

Allele frequency attached by ClinVar (database versions not stated): gnomAD 0.00001.
gnomAD v4.1: 9 of 1,613,924 alleles (0.00056%); highest among the groups gnomAD compares: Non-Finnish European, 0.00076%; no homozygotes.

Submissions (2):

Labcorp Genetics (formerly Invitae), Labcorp
Classification: Uncertain significance for Congenital contractural arachnodactyly. Last evaluated: 2025-11-22. Review status: criteria provided, single submitter. Criteria: Invitae Variant Classification Sherloc (09022015). Collection method: clinical testing. Allele origin: germline.
Comment: This sequence change replaces proline, which is neutral and non-polar, with arginine, which is basic and polar, at codon 1780 of the FBN2 protein (p.Pro1780Arg). This variant is present in population databases (no rsID available, gnomAD 0.0009%). This missense change has been observed in individual(s) with aortic aneurysm (PMID: 29907982). ClinVar contains an entry for this variant (Variation ID: 2910194). Invitae Evidence Modeling of protein sequence and biophysical properties (such as structural, functional, and spatial information, amino acid conservation, physicochemical variation, residue mobility, and thermodynamic stability) indicates that this missense variant is expected to disrupt FBN2 protein function with a positive predictive value of 80%. In summary, the available evidence is currently insufficient to determine the role of this variant in disease. Therefore, it has been classified as a Variant of Uncertain Significance.

Centre of Medical Genetics, University of Antwerp
Classification: Uncertain significance for Familial thoracic aortic aneurysm and aortic dissection. Last evaluated: 2024-09-06. Review status: criteria provided, single submitter. Criteria: ACMG Guidelines, 2015. Collection method: clinical testing. Allele origin: germline. Affected: yes.

Literature cited by the submitters: PubMed 29907982 (cited by Labcorp Genetics (formerly Invitae), Labcorp).